The following is an entry in ClinVar:

NM_015559.3(SETBP1):c.1282G>C (p.Val428Leu)

Gene: SETBP1 (SET binding protein 1; plus strand). Cytogenetic location: 18q12.3.
Variant type: single nucleotide variant.
Coding change: c.1282G>C on transcript NM_015559.3 (MANE Select); coding-DNA position 1282, G replaced by C.
Protein change: p.Val428Leu; replaces valine 428 with leucine.
Molecular consequence: missense variant.
Genome position (GRCh38, 1-based): chr18:44,950,622, G>C. VCF-style: chr18-44950622-G-C. GRCh37 (hg19) VCF-style: chr18-42530587-G-C.
Other names: c.1282G>C, p.Val428Leu (NM_001379141.1, NM_001379142.1, NM_001410862.1); short protein forms V428L.
Identifiers: ClinVar variation 3363745 (VCV003363745.1).
Genomic context (GRCh38, chr18:44,950,622, plus strand): 5'-GCACCCTCTCTGGATCCAACCAACCATAAGAGGAAAAAAAGACAGTCCATTAAAGCGGTG[G>C]TGGAAAAGATCATGCCAGAGAAAGCCTTGGCTTCTGGAATCACCATGAGCAGTGAAGTAG-3'
Protein context (NP_056374.2, residues 418-438): RKKRQSIKAV[Val428Leu]EKIMPEKALA

ClinVar aggregate classification (germline): Uncertain significance (1 of 4 stars; one submission).

gnomAD v4.1: 2 of 1,614,004 alleles (0.00012%); highest among the groups gnomAD compares: Non-Finnish European, 0.00017%; no homozygotes.

Submission:

GeneDx
Classification: Uncertain significance. Last evaluated: 2023-11-02. Review status: criteria provided, single submitter. Criteria: GeneDx Variant Classification Process June 2021. Collection method: clinical testing. Allele origin: germline. Affected: yes.
Comment: Not observed at significant frequency in large population cohorts (gnomAD); In silico analysis supports that this missense variant does not alter protein structure/function; Has not been previously published as pathogenic or benign to our knowledge